The following is an entry in ClinVar:

ClinVar aggregate classification (germline): Uncertain significance (1 of 4 stars; one submission).

Conditions:
Malignant hyperthermia, susceptibility to, 1 (MHS1). Also called: Anesthesia related hyperthermia; Malignant hyperpyrexia; Fulminating hyperpyrexia; Pharmacogenic myopathy; RYR1-Related Malignant Hyperthermia Susceptibility; Malignant hyperthermia suceptibility 1. Identifiers: Orphanet 423, MedGen C2930980, MONDO:0007783, OMIM 145600.

Submission:

All of Us Research Program, National Institutes of Health
Classification: Uncertain significance for Malignant hyperthermia, susceptibility to, 1. Last evaluated: 2024-06-11. Review status: criteria provided, single submitter. Criteria: ACMG Guidelines, 2015. Collection method: clinical testing. Allele origin: germline. Inheritance: Autosomal dominant inheritance. Observed: 1 variant allele, 1 heterozygote.
Comment: This study involves interpretation of variants in research participants for the purpose of population health screening. Participant phenotype was not available at the time of variant classification. Additional details can be found in publication PMID: 35346344, PMCID: PMC8962531

NM_000540.3(RYR1):c.4094G>C (p.Gly1365Ala)

Gene: RYR1 (ryanodine receptor 1; plus strand). Cytogenetic location: 19q13.2.
Variant type: single nucleotide variant.
Coding change: c.4094G>C on transcript NM_000540.3 (MANE Select); coding-DNA position 4094, G replaced by C.
Protein change: p.Gly1365Ala; replaces glycine 1365 with alanine.
Molecular consequence: missense variant.
Genome position (GRCh38, 1-based): chr19:38,473,705, G>C. VCF-style: chr19-38473705-G-C. GRCh37 (hg19) VCF-style: chr19-38964345-G-C.
Other names: c.4094G>C, p.Gly1365Ala (NM_001042723.2); short protein forms G1365A.
Identifiers: ClinVar variation 3387701 (VCV003387701.1).